The following is an entry in ClinVar:

ClinVar aggregate classification (germline): Uncertain significance (1 of 4 stars; one submission).

Conditions:
Short-rib thoracic dysplasia 8 with or without polydactyly (SRTD8). Also called: SHORT-RIB THORACIC DYSPLASIA 8 WITH POLYDACTYLY. Identifiers: Orphanet 93271, MedGen C3809691, MONDO:0014214, OMIM 615503.

Allele frequency attached by ClinVar (database versions not stated): gnomAD exomes 0.00001 and 0.00004; ExAC 0.00005; gnomAD 0.00010 and 0.00011; TOPMed 0.00015.
gnomAD v4.1: 29 of 1,613,558 alleles (0.0018%); highest among the groups gnomAD compares: African/African-American, 0.032%; no homozygotes.

Submission:

Labcorp Genetics (formerly Invitae), Labcorp
Classification: Uncertain significance for Short-rib thoracic dysplasia 8 with or without polydactyly. Last evaluated: 2025-05-08. Review status: criteria provided, single submitter. Criteria: Invitae Variant Classification Sherloc (09022015). Collection method: clinical testing. Allele origin: germline.
Comment: This sequence change replaces arginine, which is basic and polar, with glycine, which is neutral and non-polar, at codon 552 of the WDR60 protein (p.Arg552Gly). This variant is present in population databases (rs771427947, gnomAD 0.05%). This variant has not been reported in the literature in individuals affected with WDR60-related conditions. ClinVar contains an entry for this variant (Variation ID: 1680686). An algorithm developed to predict the effect of missense changes on protein structure and function (PolyPhen-2) suggests that this variant is likely to be tolerated. In summary, the available evidence is currently insufficient to determine the role of this variant in disease. Therefore, it has been classified as a Variant of Uncertain Significance.

NM_018051.5(DYNC2I1):c.1654A>G (p.Arg552Gly)

Gene: DYNC2I1 (dynein 2 intermediate chain 1; plus strand). Cytogenetic location: 7q36.3.
Variant type: single nucleotide variant.
Coding change: c.1654A>G on transcript NM_018051.5 (MANE Select); coding-DNA position 1654, A replaced by G.
Protein change: p.Arg552Gly; replaces arginine 552 with glycine.
Molecular consequence: missense variant.
Genome position (GRCh38, 1-based): chr7:158,913,048, A>G. VCF-style: chr7-158913048-A-G. GRCh37 (hg19) VCF-style: chr7-158705739-A-G.
Other names: c.1516A>G, p.Arg506Gly (NM_001350914.2); c.1081A>G, p.Arg361Gly (NM_001350915.2); c.193A>G, p.Arg65Gly (NM_001350916.2); c.406A>G, p.Arg136Gly (NM_001350917.2, NM_001350918.2); short protein forms R136G, R361G, R506G, R552G, R65G.
Identifiers: ClinVar variation 1680686 (VCV001680686.6), dbSNP rs771427947, ClinGen allele CA4594705.